The following is an entry in ClinVar:

ClinVar aggregate classification (germline): Uncertain significance. Review status: criteria provided, multiple submitters, no conflicts (2 of 4 stars). 5 submissions from 4 submitters: Uncertain significance (5). Last evaluated 2023-12-21.

Conditions:
Usher syndrome type 2A. Also called: RETINAL DISEASE IN USHER SYNDROME TYPE IIA, MODIFIER OF; USHER SYNDROME, TYPE IIA. Identifiers: Orphanet 231178, Orphanet 886, MedGen C1848634, MONDO:0010169, OMIM 276901.
Retinitis pigmentosa 39 (RP39). Identifiers: Orphanet 791, MedGen C3151138, MONDO:0013436, OMIM 613809.

Allele frequency attached by ClinVar (database versions not stated): gnomAD 0.00001 and 0.00002; TOPMed 0.00001.
gnomAD v4.1: 29 of 1,613,706 alleles (0.0018%); highest among the groups gnomAD compares: Non-Finnish European, 0.0025%; no homozygotes.

Submissions (5):

Labcorp Genetics (formerly Invitae), Labcorp
Classification: Uncertain significance. Last evaluated: 2023-12-21. Review status: criteria provided, single submitter. Criteria: Invitae Variant Classification Sherloc (09022015). Collection method: clinical testing. Allele origin: germline.
Comment: This sequence change replaces serine, which is neutral and polar, with glycine, which is neutral and non-polar, at codon 1815 of the USH2A protein (p.Ser1815Gly). This variant is present in population databases (no rsID available, gnomAD 0.002%). This variant has not been reported in the literature in individuals affected with USH2A-related conditions. ClinVar contains an entry for this variant (Variation ID: 1349554). Advanced modeling of protein sequence and biophysical properties (such as structural, functional, and spatial information, amino acid conservation, physicochemical variation, residue mobility, and thermodynamic stability) performed at Invitae indicates that this missense variant is not expected to disrupt USH2A protein function with a negative predictive value of 95%. Algorithms developed to predict the effect of sequence changes on RNA splicing suggest that this variant may disrupt the consensus splice site. In summary, the available evidence is currently insufficient to determine the role of this variant in disease. Therefore, it has been classified as a Variant of Uncertain Significance.

Blueprint Genetics
Classification: Uncertain significance. Last evaluated: 2023-11-20. Review status: criteria provided, single submitter. Criteria: ACMG Guidelines, 2015. Collection method: clinical testing. Allele origin: germline.

Genome-Nilou Lab
Classification: Uncertain significance for Retinitis pigmentosa 39. Last evaluated: 2023-11-04. Review status: criteria provided, single submitter. Criteria: ACMG Guidelines, 2015. Collection method: clinical testing. Allele origin: germline. Affected: no.

Genome-Nilou Lab
Classification: Uncertain significance for Usher syndrome type 2A. Last evaluated: 2023-11-04. Review status: criteria provided, single submitter. Criteria: ACMG Guidelines, 2015. Collection method: clinical testing. Allele origin: germline. Affected: no.

Fulgent Genetics
Classification: Uncertain significance for Usher syndrome type 2A; Retinitis pigmentosa 39. Last evaluated: 2021-09-01. Review status: criteria provided, single submitter. Criteria: ACMG Guidelines, 2015. Collection method: clinical testing. Allele origin: unknown.

NM_206933.4(USH2A):c.5443A>G (p.Ser1815Gly)

Genes: USH2A (usherin; minus strand), USH2A-AS2 (USH2A antisense RNA 2; plus strand). Cytogenetic location: 1q41.
Variant type: single nucleotide variant.
Coding change: c.5443A>G on transcript NM_206933.4 (MANE Select); coding-DNA position 5443, A replaced by G.
Protein change: p.Ser1815Gly; replaces serine 1815 with glycine.
Molecular consequence: missense variant.
Genome position (GRCh38, 1-based): chr1:216,078,218, T>C on the plus strand (A>G on the coding strand, the complement: USH2A is on the minus strand). VCF-style: chr1-216078218-T-C. GRCh37 (hg19) VCF-style: chr1-216251560-T-C.
Other names: short protein forms S1815G.
Identifiers: ClinVar variation 1349554 (VCV001349554.9), dbSNP rs940913250, ClinGen allele CA37441437.